The following is an entry in ClinVar:

ClinVar aggregate classification (germline): Uncertain significance (1 of 4 stars; one submission).

Submission:

Labcorp Genetics (formerly Invitae), Labcorp
Classification: Uncertain significance. Last evaluated: 2022-05-09. Review status: criteria provided, single submitter. Criteria: Invitae Variant Classification Sherloc (09022015). Collection method: clinical testing. Allele origin: germline.
Comment: In summary, the available evidence is currently insufficient to determine the role of this variant in disease. Therefore, it has been classified as a Variant of Uncertain Significance. Algorithms developed to predict the effect of sequence changes on RNA splicing suggest that this variant may disrupt the consensus splice site. This variant has not been reported in the literature in individuals affected with GUCY2C-related conditions. This variant is not present in population databases (gnomAD no frequency). This sequence change creates a premature translational stop signal (p.Val622Serfs*4) in the GUCY2C gene. It is expected to result in an absent or disrupted protein product. However, the current clinical and genetic evidence is not sufficient to establish whether loss-of-function variants in GUCY2C cause disease.

NM_004963.4(GUCY2C):c.1862dup (p.Val622fs)

Gene: GUCY2C (guanylate cyclase 2C; minus strand). Cytogenetic location: 12p12.3.
Variant type: Duplication.
Coding change: c.1862dup on transcript NM_004963.4 (MANE Select); coding-DNA position 1862, one base duplicated (T; older notation c.1862dupT).
Protein change: p.Val622fs; shifts the reading frame from valine 622.
Molecular consequence: frameshift variant.
Genome position (GRCh38, 1-based): chr12:14,643,642, A duplicated on the plus strand (T on the coding strand, the reverse complement: GUCY2C is on the minus strand). VCF-style (leftmost placement, unchanged base first): chr12-14643641-T-TA. GRCh37 (hg19) VCF-style: chr12-14796575-T-TA.
Other names: short protein forms V622fs.
Identifiers: ClinVar variation 2119309 (VCV002119309.4), dbSNP rs2497688748, ClinGen allele CA2580085191.